The following is an entry in ClinVar:

NM_002528.7(NTHL1):c.632C>T (p.Pro211Leu)

Gene: NTHL1 (nth like DNA glycosylase 1; minus strand). Cytogenetic location: 16p13.3.
Variant type: single nucleotide variant.
Coding change: c.632C>T on transcript NM_002528.7 (MANE Select); coding-DNA position 632, C replaced by T.
Protein change: p.Pro211Leu; replaces proline 211 with leucine.
Molecular consequence: missense variant.
Genome position (GRCh38, 1-based): chr16:2,043,620, G>A on the plus strand (C>T on the coding strand, the complement: NTHL1 is on the minus strand). VCF-style: chr16-2043620-G-A. GRCh37 (hg19) VCF-style: chr16-2093621-G-A.
Other names: c.461C>T, p.Pro154Leu (NM_001318193.2); c.302C>T, p.Pro101Leu (NM_001318194.2); short protein forms P154L, P101L, P211L.
Identifiers: ClinVar variation 1046161 (VCV001046161.5), dbSNP rs2084298434, ClinGen allele CA394291291.

ClinVar aggregate classification (germline): Uncertain significance (1 of 4 stars; one submission).

Allele frequency attached by ClinVar (database versions not stated): gnomAD exomes below 0.00001.
gnomAD v4.1: 1 of 1,610,704 alleles (0.000062%); highest among the groups gnomAD compares: Non-Finnish European, 0.000085%; no homozygotes.

Submission:

Labcorp Genetics (formerly Invitae), Labcorp
Classification: Uncertain significance. Last evaluated: 2020-07-30. Review status: criteria provided, single submitter. Criteria: Invitae Variant Classification Sherloc (09022015). Collection method: clinical testing. Allele origin: germline.
Comment: This sequence change replaces proline with leucine at codon 219 of the NTHL1 protein (p.Pro219Leu). The proline residue is highly conserved and there is a moderate physicochemical difference between proline and leucine. This variant is not present in population databases (ExAC no frequency). This variant has not been reported in the literature in individuals with NTHL1-related conditions. Algorithms developed to predict the effect of missense changes on protein structure and function are either unavailable or do not agree on the potential impact of this missense change (SIFT: "Not Available"; PolyPhen-2: "Possibly Damaging"; Align-GVGD: "Not Available"). In summary, the available evidence is currently insufficient to determine the role of this variant in disease. Therefore, it has been classified as a Variant of Uncertain Significance.